The following is an entry in ClinVar:

ClinVar aggregate classification (germline): Uncertain significance (1 of 4 stars; one submission).

Submission:

Labcorp Genetics (formerly Invitae), Labcorp
Classification: Uncertain significance. Last evaluated: 2020-12-05. Review status: criteria provided, single submitter. Criteria: Invitae Variant Classification Sherloc (09022015). Collection method: clinical testing. Allele origin: germline.
Comment: In summary, the available evidence is currently insufficient to determine the role of this variant in disease. Therefore, it has been classified as a Variant of Uncertain Significance. Experimental studies and prediction algorithms are not available or were not evaluated, and the functional significance of this variant is currently unknown. This variant has not been reported in the literature in individuals with GUF1-related conditions. The frequency data for this variant in the population databases is not available, as this variant may be reported as separate entries in the ExAC database. This sequence change replaces leucine with phenylalanine at codon 15 of the GUF1 protein (p.Leu15Phe). The leucine residue is weakly conserved and there is a small physicochemical difference between leucine and phenylalanine.

NM_021927.3(GUF1):c.42_43delinsCT (p.Leu15Phe)

Genes: GUF1 (GTP binding elongation factor GUF1; plus strand), LOC129992541 (ATAC-STARR-seq lymphoblastoid silent region 15397; plus strand). Cytogenetic location: 4p12.
Variant type: Indel.
Coding change: c.42_43delinsCT on transcript NM_021927.3 (MANE Select); coding-DNA positions 42 to 43, TC replaced by CT.
Protein change: p.Leu15Phe; replaces leucine 15 with phenylalanine.
Molecular consequence: missense variant. On other transcripts: 5 prime UTR variant (2).
Genome position (GRCh38, 1-based): chr4:44,678,664-44,678,665, TC replaced by CT. VCF-style: chr4-44678664-TC-CT. GRCh37 (hg19) VCF-style: chr4-44680681-TC-CT.
Other names: c.-927_-926delinsCT (NM_001345867.2); c.42_43delinsCT, p.Leu15Phe (NM_001345868.2); c.-819_-818delinsCT (NM_001345869.2); short protein forms L15F.
Identifiers: ClinVar variation 1506151 (VCV001506151.6), dbSNP rs2109623952, ClinGen allele CA2573137680.